The following is an entry in ClinVar:

ClinVar aggregate classification (germline): Likely benign. Review status: criteria provided, multiple submitters, no conflicts (2 of 4 stars). 2 submissions from 2 submitters: Likely benign (2). Last evaluated 2026-01-07.

Conditions:
Regional enteritis. Also called: Enteritis, Granulomatous. Identifiers: MedGen C0678202, MeSH D003424.
Blau syndrome (BLAUS). Also called: JABS SYNDROME; ARTHROCUTANEOUVEAL GRANULOMATOSIS; GRANULOMATOSIS, FAMILIAL JUVENILE SYSTEMIC; GRANULOMATOSIS, FAMILIAL, BLAU TYPE; GRANULOMATOUS INFLAMMATORY ARTHRITIS, DERMATITIS, AND UVEITIS, FAMILIAL. Identifiers: Orphanet 90340, MedGen C5201146, MONDO:0008523, OMIM 186580.

Allele frequency attached by ClinVar (database versions not stated): gnomAD 0.00007; ESP Exome Variant Server 0.00008; ExAC 0.00011; TOPMed 0.00011; 1000 Genomes Project 30x 0.00016; gnomAD exomes 0.00016; 1000 Genomes Project 0.00020.
gnomAD v4.1: 112 of 1,613,824 alleles (0.0069%); highest among the groups gnomAD compares: Admixed American, 0.057%; no homozygotes.

Submissions (2):

Labcorp Genetics (formerly Invitae), Labcorp
Classification: Likely benign for Regional enteritis; Blau syndrome. Last evaluated: 2026-01-07. Review status: criteria provided, single submitter. Criteria: Invitae Variant Classification Sherloc (09022015). Collection method: clinical testing. Allele origin: germline.

CeGaT Center for Human Genetics Tuebingen
Classification: Likely benign. Last evaluated: 2025-01-01. Review status: criteria provided, single submitter. Criteria: CeGaT Center For Human Genetics Tuebingen Variant Classification Criteria Version 2. Collection method: clinical testing. Allele origin: germline. Affected: yes. Observed: 1 variant allele.
Comment: NOD2: BP4

NM_001370466.1(NOD2):c.2734A>G (p.Ile912Val)

Gene: NOD2 (nucleotide binding oligomerization domain containing 2; plus strand). Cytogenetic location: 16q12.1.
Variant type: single nucleotide variant.
Coding change: c.2734A>G on transcript NM_001370466.1 (MANE Select); coding-DNA position 2734, A replaced by G.
Protein change: p.Ile912Val; replaces isoleucine 912 with valine.
Molecular consequence: missense variant. On other transcripts: non-coding transcript variant (1).
Genome position (GRCh38, 1-based): chr16:50,723,317, A>G. VCF-style: chr16-50723317-A-G. GRCh37 (hg19) VCF-style: chr16-50757228-A-G.
Other names: c.2734A>G, p.Ile912Val (NM_001293557.2); c.2815A>G, p.Ile939Val (NM_022162.3); short protein forms I912V, I939V.
Identifiers: ClinVar variation 662297 (VCV000662297.24), dbSNP rs201781416, ClinGen allele CA8051990.